The following is an entry in ClinVar:

NM_031475.3(ESPN):c.1692C>T (p.Leu564=)

Gene: ESPN (espin; plus strand). Cytogenetic location: 1p36.31.
Variant type: single nucleotide variant.
Coding change: c.1692C>T on transcript NM_031475.3 (MANE Select); coding-DNA position 1692, C replaced by T.
Protein change: p.Leu564=; no amino-acid change (leucine 564 retained).
Molecular consequence: synonymous variant. On other transcripts: intron variant (2).
Genome position (GRCh38, 1-based): chr1:6,448,868, C>T. VCF-style: chr1-6448868-C-T. GRCh37 (hg19) VCF-style: chr1-6508928-C-T.
Other names: c.1627-25C>T (NM_001367474.1, NM_001367473.1).
Identifiers: ClinVar variation 3375769 (VCV003375769.2).
Genomic context (GRCh38, chr1:6,448,868, plus strand): 5'-TGCCCGCCAGCCCGCGCGCGCCGGCTGCCCGCGCCTCGGCCCTGCCGCCCGCGGCTCACT[C>T]GAAGGCCCCTCCGCTCCCCCGCAGGCGGCGCTGCTTCCTGGGAACCATGTTCCTAACGGC-3'
Protein context (NP_113663.2, residues 554-574): PRLGPAARGS[Leu564=]EGPSAPPQAA

ClinVar aggregate classification (germline): Conflicting classifications of pathogenicity. Review status: criteria provided, conflicting classifications (1 of 4 stars). 2 submissions from 2 submitters: Uncertain significance (1); Likely benign (1). Last evaluated 2024-05-07.

gnomAD v4.1: 7 of 1,294,782 alleles (0.00054%); highest among the groups gnomAD compares: African/African-American, 0.011%; no homozygotes.

Submissions (2):

GeneDx
Classification: Uncertain significance. Last evaluated: 2024-05-07. Review status: criteria provided, single submitter. Criteria: GeneDx Variant Classification Process June 2021. Collection method: clinical testing. Allele origin: germline. Affected: yes.
Comment: In silico analysis indicates that this variant does not alter splicing; Has not been previously published as pathogenic or benign to our knowledge

Blueprint Genetics
Classification: Likely benign. Last evaluated: 2022-09-07. Review status: criteria provided, single submitter. Criteria: ACMG Guidelines, 2015. Collection method: clinical testing. Allele origin: germline.